The following is an entry in ClinVar:

NM_176787.5(PIGN):c.1985T>C (p.Leu662Pro)

Gene: PIGN (phosphatidylinositol glycan anchor biosynthesis class N; minus strand). Cytogenetic location: 18q21.33.
Variant type: single nucleotide variant.
Coding change: c.1985T>C on transcript NM_176787.5 (MANE Select); coding-DNA position 1985, T replaced by C.
Protein change: p.Leu662Pro; replaces leucine 662 with proline.
Molecular consequence: missense variant.
Genome position (GRCh38, 1-based): chr18:62,101,167, A>G on the plus strand (T>C on the coding strand, the complement: PIGN is on the minus strand). VCF-style: chr18-62101167-A-G. GRCh37 (hg19) VCF-style: chr18-59768400-A-G.
Other names: c.1985T>C, p.Leu662Pro (NM_012327.6); short protein forms L662P.
Identifiers: ClinVar variation 653786 (VCV000653786.9), dbSNP rs1254942786, ClinGen allele CA402603740.
Genomic context (GRCh38, chr18:62,101,167, plus strand): 5'-AGAGGCAGTCCTTGCTTCCTGAGTAGACTACTCTGAGTGCTATACACAACATACATGGAG[A>G]GCACTGTGCTCAGCACCTAAAGACAAAGATGAAATAGGTTAAAAAAAGAGAAGGTAGTGA-3'
Protein context (NP_789744.1, residues 652-672): VHLLQVLSTV[Leu662Pro]SMYVVYSTQS

ClinVar aggregate classification (germline): Uncertain significance. Review status: criteria provided, multiple submitters, no conflicts (2 of 4 stars). 2 submissions from 2 submitters: Uncertain significance (2). Last evaluated 2024-10-21.

Conditions:
Multiple congenital anomalies-hypotonia-seizures syndrome 1 (MCAHS1). Also called: GLYCOSYLPHOSPHATIDYLINOSITOL BIOSYNTHESIS DEFECT 3; PIGN-CDG; Congenital disorder of glycosylation due to PIGN deficiency. Identifiers: Orphanet 280633, MedGen C3279775, MONDO:0013563, OMIM 614080.
Inborn genetic diseases. Identifiers: MedGen C0950123, MeSH D030342.

Allele frequency attached by ClinVar (database versions not stated): TOPMed below 0.00001; gnomAD exomes 0.00001; gnomAD 0.00002.
gnomAD v4.1: 10 of 1,601,702 alleles (0.00062%); highest among the groups gnomAD compares: Non-Finnish European, 0.00085%; no homozygotes.

Submissions (2):

Ambry Genetics
Classification: Uncertain significance for Inborn genetic diseases. Last evaluated: 2024-10-21. Review status: criteria provided, single submitter. Criteria: Ambry Variant Classification Scheme 2023. Collection method: clinical testing. Allele origin: germline.

Labcorp Genetics (formerly Invitae), Labcorp
Classification: Uncertain significance for Multiple congenital anomalies-hypotonia-seizures syndrome 1. Last evaluated: 2021-09-01. Review status: criteria provided, single submitter. Criteria: Invitae Variant Classification Sherloc (09022015). Collection method: clinical testing. Allele origin: germline.
Comment: This sequence change replaces leucine with proline at codon 662 of the PIGN protein (p.Leu662Pro). The leucine residue is moderately conserved and there is a moderate physicochemical difference between leucine and proline. This variant is not present in population databases (ExAC no frequency). This variant has not been reported in the literature in individuals affected with PIGN-related conditions. Algorithms developed to predict the effect of missense changes on protein structure and function are either unavailable or do not agree on the potential impact of this missense change (SIFT: "Deleterious"; PolyPhen-2: "Possibly Damaging"; Align-GVGD: "Class C0"). In summary, the available evidence is currently insufficient to determine the role of this variant in disease. Therefore, it has been classified as a Variant of Uncertain Significance.